The following is an entry in ClinVar:

ClinVar aggregate classification (germline): Pathogenic/Likely pathogenic. Review status: criteria provided, multiple submitters, no conflicts (2 of 4 stars). 4 submissions from 4 submitters: Pathogenic (1); Likely pathogenic (3). Last evaluated 2025-03-18.

Conditions:
Nystagmus 1, congenital, X-linked. Also called: NYSTAGMUS 1, INFANTILE, X-LINKED; NYSTAGMUS, CONGENITAL MOTOR, 1; NYSTAGMUS, INFANTILE IDIOPATHIC; FRMD7-Related Infantile Nystagmus; NYSTAGMUS, INFANTILE PERIODIC ALTERNATING, X-LINKED. Identifiers: MedGen C1839580, MONDO:0010693, OMIM 310700.

Allele frequency attached by ClinVar (database versions not stated): gnomAD exomes below 0.00001; TOPMed 0.00001.
gnomAD v4.1: 1 of 1,210,811 alleles (0.000083%); highest among the groups gnomAD compares: Non-Finnish European, 0.00011%; no homozygotes.

Submissions (4):

Labcorp Genetics (formerly Invitae), Labcorp
Classification: Pathogenic. Last evaluated: 2025-03-18. Review status: criteria provided, single submitter. Criteria: Invitae Variant Classification Sherloc (09022015). Collection method: clinical testing. Allele origin: germline.
Comment: This sequence change replaces arginine, which is basic and polar, with glutamine, which is neutral and polar, at codon 261 of the FRMD7 protein (p.Arg261Gln). This variant is not present in population databases (gnomAD no frequency). This missense change has been observed in individuals with infantile nystagmus (PMID: 18431453, 33732697). It has also been observed to segregate with disease in related individuals. This variant is also known as p.R260Q. ClinVar contains an entry for this variant (Variation ID: 1197628). An algorithm developed to predict the effect of missense changes on protein structure and function (PolyPhen-2) suggests that this variant is likely to be disruptive. For these reasons, this variant has been classified as Pathogenic.

GeneDx
Classification: Likely pathogenic. Last evaluated: 2024-11-12. Review status: criteria provided, single submitter. Criteria: GeneDx Variant Classification Process June 2021. Collection method: clinical testing. Allele origin: germline. Affected: yes.
Comment: In silico analysis supports that this missense variant has a deleterious effect on protein structure/function; Not observed at significant frequency in large population cohorts (gnomAD); This variant is associated with the following publications: (PMID: 21904664, 18431453, 28623544, 19072571, Su2023[Case Report], 38983508, 33732697, 35705619)

3billion
Classification: Likely pathogenic for Nystagmus 1, congenital, X-linked. Last evaluated: 2024-10-25. Review status: criteria provided, single submitter. Criteria: ACMG Guidelines, 2015. Collection method: clinical testing. Allele origin: germline. Affected: yes.
Comment: The variant is observed at an extremely low frequency in the gnomAD v4.1.0 dataset (total allele frequency: <0.001%). Predicted Consequence/Location: Missense variant In silico tool predictions suggest damaging effect of the variant on gene or gene product [REVEL: 0.91 (>=0.6, sensitivity 0.68 and specificity 0.92); 3Cnet: 0.53 (>=0.6, sensitivity 0.72 and precision 0.9)]. The same nucleotide change resulting in the same amino acid change has been previously reported as pathogenic/likely pathogenic with strong evidence (ClinVar ID: VCV001197628 /PMID: 18431453). A different missense change at the same codon (p.Arg261Gly) has been reported to be associated with FRMD7 related disorder (PMID: 17893669). Therefore, this variant is classified as Likely pathogenic according to the recommendation of ACMG/AMP guideline.

CeGaT Center for Human Genetics Tuebingen
Classification: Likely pathogenic. Last evaluated: 2023-01-01. Review status: criteria provided, single submitter. Criteria: CeGaT Center For Human Genetics Tuebingen Variant Classification Criteria Version 2. Collection method: clinical testing. Allele origin: germline. Affected: yes. Observed: 1 variant allele.
Comment: FRMD7: PM1, PM2, PS4:Moderate, PP3

Literature cited by the submitters: PubMed 18431453 (cited by Labcorp Genetics (formerly Invitae), Labcorp and 3billion); PubMed 33732697 (cited by Labcorp Genetics (formerly Invitae), Labcorp); PubMed 17893669 (cited by 3billion).

NM_194277.3(FRMD7):c.782G>A (p.Arg261Gln)

Gene: FRMD7 (FERM domain containing 7; minus strand). Cytogenetic location: Xq26.2.
Variant type: single nucleotide variant.
Coding change: c.782G>A on transcript NM_194277.3 (MANE Select); coding-DNA position 782, G replaced by A.
Protein change: p.Arg261Gln; replaces arginine 261 with glutamine.
Molecular consequence: missense variant.
Genome position (GRCh38, 1-based): chrX:132,082,486, C>T on the plus strand (G>A on the coding strand, the complement: FRMD7 is on the minus strand). VCF-style: chrX-132082486-C-T. GRCh37 (hg19) VCF-style: chrX-131216514-C-T.
Other names: c.737G>A, p.Arg246Gln (NM_001306193.2); short protein forms R246Q, R261Q.
Identifiers: ClinVar variation 1197628 (VCV001197628.37), dbSNP rs1332489637, ClinGen allele CA414680589.